The following is an entry in ClinVar:

ClinVar aggregate classification (germline): Uncertain significance. Review status: criteria provided, multiple submitters, no conflicts (2 of 4 stars). 2 submissions from 2 submitters: Uncertain significance (2). Last evaluated 2023-01-07.

Conditions:
Inborn genetic diseases. Identifiers: MedGen C0950123, MeSH D030342.

Submissions (2):

Labcorp Genetics (formerly Invitae), Labcorp
Classification: Uncertain significance. Last evaluated: 2023-01-07. Review status: criteria provided, single submitter. Criteria: Invitae Variant Classification Sherloc (09022015). Collection method: clinical testing. Allele origin: germline.
Comment: In summary, the available evidence is currently insufficient to determine the role of this variant in disease. Therefore, it has been classified as a Variant of Uncertain Significance. Advanced modeling of protein sequence and biophysical properties (such as structural, functional, and spatial information, amino acid conservation, physicochemical variation, residue mobility, and thermodynamic stability) performed at Invitae indicates that this missense variant is not expected to disrupt ARID1A protein function. This variant has not been reported in the literature in individuals affected with ARID1A-related conditions. This variant is not present in population databases (gnomAD no frequency). This sequence change replaces proline, which is neutral and non-polar, with serine, which is neutral and polar, at codon 834 of the ARID1A protein (p.Pro834Ser).

Ambry Genetics
Classification: Uncertain significance for Inborn genetic diseases. Last evaluated: 2022-05-19. Review status: criteria provided, single submitter. Criteria: Ambry Variant Classification Scheme 2023. Collection method: clinical testing. Allele origin: germline.
Comment: The c.2500C>T (p.P834S) alteration is located in exon 8 (coding exon 8) of the ARID1A gene. This alteration results from a C to T substitution at nucleotide position 2500, causing the proline (P) at amino acid position 834 to be replaced by a serine (S). This variant was not reported in population-based cohorts in the Genome Aggregation Database (gnomAD). This amino acid position is highly conserved in available vertebrate species. This alteration is predicted to be tolerated by in silico analysis. Based on insufficient or conflicting evidence, the clinical significance of this alteration remains unclear.

NM_006015.6(ARID1A):c.2500C>T (p.Pro834Ser)

Gene: ARID1A (AT-rich interaction domain 1A; plus strand). Cytogenetic location: 1p36.11.
Variant type: single nucleotide variant.
Coding change: c.2500C>T on transcript NM_006015.6 (MANE Select); coding-DNA position 2500, C replaced by T.
Protein change: p.Pro834Ser; replaces proline 834 with serine.
Molecular consequence: missense variant.
Genome position (GRCh38, 1-based): chr1:26,763,053, C>T. VCF-style: chr1-26763053-C-T. GRCh37 (hg19) VCF-style: chr1-27089544-C-T.
Other names: c.2500C>T, p.Pro834Ser (NM_139135.4); short protein forms P834S.
Identifiers: ClinVar variation 2281894 (VCV002281894.5), dbSNP rs2124068379, ClinGen allele CA339156513.
Genomic context (GRCh38, chr1:26,763,053, plus strand): 5'-AACTATAATGCCTTGCCCAATGCCAACTACCCCAGTGCAGGCATGGCTGGAGGCATAAAC[C>T]CCATGGGTGCCGGAGGTCAAATGCATGGACAGCCTGGCATCCCACCTTATGGCACACTCC-3'
Protein context (NP_006006.3, residues 824-844): PSAGMAGGIN[Pro834Ser]MGAGGQMHGQ